The following is an entry in ClinVar:

NM_001408.3(CELSR2):c.7553C>T (p.Thr2518Met)

Gene: CELSR2 (cadherin EGF LAG seven-pass G-type receptor 2; plus strand). Cytogenetic location: 1p13.3.
Variant type: single nucleotide variant.
Coding change: c.7553C>T on transcript NM_001408.3 (MANE Select); coding-DNA position 7553, C replaced by T.
Protein change: p.Thr2518Met; replaces threonine 2518 with methionine.
Molecular consequence: missense variant.
Genome position (GRCh38, 1-based): chr1:109,270,996, C>T. VCF-style: chr1-109270996-C-T. GRCh37 (hg19) VCF-style: chr1-109813618-C-T.
Other names: short protein forms T2518M.
Identifiers: ClinVar variation 4698652 (VCV004698652.1).

ClinVar aggregate classification (germline): Uncertain significance (1 of 4 stars; one submission).

gnomAD v4.1: 12 of 1,613,868 alleles (0.00074%); highest among the groups gnomAD compares: South Asian, 0.0011%; no homozygotes.

Submission:

Labcorp Genetics (formerly Invitae), Labcorp
Classification: Uncertain significance. Last evaluated: 2025-12-23. Review status: criteria provided, single submitter. Criteria: Invitae Variant Classification Sherloc (09022015). Collection method: clinical testing. Allele origin: germline.
Comment: This sequence change replaces threonine, which is neutral and polar, with methionine, which is neutral and non-polar, at codon 2518 of the CELSR2 protein (p.Thr2518Met). This variant is present in population databases (no rsID available, gnomAD 0.003%). This variant has not been reported in the literature in individuals affected with CELSR2-related conditions. Invitae Evidence Modeling of protein sequence and biophysical properties (such as structural, functional, and spatial information, amino acid conservation, physicochemical variation, residue mobility, and thermodynamic stability) indicates that this missense variant is not expected to disrupt CELSR2 protein function with a negative predictive value of 80%. In summary, the available evidence is currently insufficient to determine the role of this variant in disease. Therefore, it has been classified as a Variant of Uncertain Significance.